The following is an entry in ClinVar:

NM_020778.5(ALPK3):c.2915G>A (p.Ser972Asn)

Gene: ALPK3 (alpha kinase 3; plus strand). Cytogenetic location: 15q25.3.
Variant type: single nucleotide variant.
Coding change: c.2915G>A on transcript NM_020778.5 (MANE Select); coding-DNA position 2915, G replaced by A.
Protein change: p.Ser972Asn; replaces serine 972 with asparagine.
Molecular consequence: missense variant.
Genome position (GRCh38, 1-based): chr15:84,857,653, G>A. VCF-style: chr15-84857653-G-A. GRCh37 (hg19) VCF-style: chr15-85400884-G-A.
Other names: short protein forms S972N.
Identifiers: ClinVar variation 2449083 (VCV002449083.5), dbSNP rs757130064, ClinGen allele CA7709517.

ClinVar aggregate classification (germline): Uncertain significance. Review status: criteria provided, multiple submitters, no conflicts (2 of 4 stars). 2 submissions from 2 submitters: Uncertain significance (2). Last evaluated 2025-11-09.

Conditions:
Cardiovascular phenotype. Identifiers: MedGen CN230736.

Allele frequency attached by ClinVar (database versions not stated): ExAC 0.00001; gnomAD exomes 0.00001; gnomAD 0.00001.
gnomAD v4.1: 6 of 1,602,300 alleles (0.00037%); highest among the groups gnomAD compares: Non-Finnish European, 0.00051%; no homozygotes.

Submissions (2):

Labcorp Genetics (formerly Invitae), Labcorp
Classification: Uncertain significance. Last evaluated: 2025-11-09. Review status: criteria provided, single submitter. Criteria: Invitae Variant Classification Sherloc (09022015). Collection method: clinical testing. Allele origin: germline.
Comment: This sequence change replaces serine, which is neutral and polar, with asparagine, which is neutral and polar, at codon 1174 of the ALPK3 protein (p.Ser1174Asn). This variant is present in population databases (rs757130064, gnomAD 0.002%). This variant has not been reported in the literature in individuals affected with ALPK3-related conditions. ClinVar contains an entry for this variant (Variation ID: 2449083). Invitae Evidence Modeling of protein sequence and biophysical properties (such as structural, functional, and spatial information, amino acid conservation, physicochemical variation, residue mobility, and thermodynamic stability) indicates that this missense variant is not expected to disrupt ALPK3 protein function with a negative predictive value of 80%. In summary, the available evidence is currently insufficient to determine the role of this variant in disease. Therefore, it has been classified as a Variant of Uncertain Significance.

Ambry Genetics
Classification: Uncertain significance for Cardiovascular phenotype. Last evaluated: 2022-11-04. Review status: criteria provided, single submitter. Criteria: Ambry Variant Classification Scheme 2023. Collection method: clinical testing. Allele origin: germline.
Comment: The p.S1174N variant (also known as c.3521G>A), located in coding exon 6 of the ALPK3 gene, results from a G to A substitution at nucleotide position 3521. The serine at codon 1174 is replaced by asparagine, an amino acid with highly similar properties. This amino acid position is conserved. In addition, this alteration is predicted to be tolerated by in silico analysis. Since supporting evidence is limited at this time, the clinical significance of this alteration remains unclear.